The following is an entry in ClinVar:

NM_001754.5(RUNX1):c.509-15A>G

Genes: RUNX1 (RUNX family transcription factor 1; minus strand), RUNX1-AS1 (RUNX1 antisense RNA 1; plus strand). Cytogenetic location: 21q22.12.
Variant type: single nucleotide variant.
Coding change: c.509-15A>G on transcript NM_001754.5 (MANE Select); 15 bases into the intron before coding-DNA position 509, A replaced by G.
Molecular consequence: intron variant.
Genome position (GRCh38, 1-based): chr21:34,859,593, T>C on the plus strand (A>G on the coding strand, the complement: RUNX1 is on the minus strand). VCF-style: chr21-34859593-T-C. GRCh37 (hg19) VCF-style: chr21-36231890-T-C.
Other names: c.428-15A>G (NM_001001890.3, NM_001122607.2).
Identifiers: ClinVar variation 2084439 (VCV002084439.5), dbSNP rs2057542963, ClinGen allele CA2387284518.
Genomic context (GRCh38, chr21:34,859,593, plus strand): 5'-TGCGGTGGGTTTGTGAAGACAGTGATGGTCAGAGTGAAGCTTTTCCCTGTGGGGACACGA[T>C]AGAGAACAAAACAGAATGAGGTTGGTGGCCTGAACATATCTGTTGAATAACCAATCATTA-3'

ClinVar aggregate classification (germline): Likely benign. Review status: reviewed by expert panel (3 of 4 stars). 2 submissions from 2 submitters: Likely benign (1). 1 of the submissions does not count toward it. Last evaluated 2024-08-28.

Conditions:
Hereditary thrombocytopenia and hematological cancer predisposition syndrome associated with RUNX1. Also called: Familial Platelet Disorder with Propensity to Acute Myelogenous Leukemia; Familial thrombocytopenia with propensity to acute myelogenous leukemia; PLATELET DISORDER, ASPIRIN-LIKE; RUNX1 Familial Platelet Disorder with Associated Myeloid Malignancies. Identifiers: Orphanet 71290, MedGen C1832388, MeSH C563324, MONDO:0100083, OMIM 601399.
Hereditary thrombocytopenia and hematologic cancer predisposition syndrome. Identifiers: Orphanet 71290, MedGen CN281654, MONDO:0011071.

Allele frequency attached by ClinVar (database versions not stated): gnomAD exomes below 0.00001.
gnomAD v4.1: 1 of 1,596,876 alleles (0.000063%); highest among the groups gnomAD compares: Non-Finnish European, 0.000086%; no homozygotes.

Submissions (2):

ClinGen Myeloid Malignancy Variant Curation Expert Panel
Classification: Likely benign for Hereditary thrombocytopenia and hematologic cancer predisposition syndrome. Last evaluated: 2024-08-28. Review status: reviewed by expert panel. Criteria: ClinGen MyeloMalig ACMG Specifications v2. Collection method: curation. Allele origin: germline. Inheritance: Autosomal dominant inheritance.
Comment: NM_001754.5(RUNX1):c.509-15A>G is an intronic variant which has a SpliceAI score ≤ 0.20 (0.0) (BP4). This variant has a SpliceAI score ≤ 0.20 (0.0) and evolutionary conservation prediction algorithms predict the site as not being conserved (PhyloP score ≤ 2.0 (-0.49) (BP7). This variant is completely absent from all population databases with at least 20x coverage for RUNX1 (PM2_supporting). In summary, this variant meets criteria to be classified as likely benign. ACMG/AMP criteria applied, as specified by the Myeloid Malignancy Variant Curation Expert Panel for RUNX1: BP4, BP7, PM2_supporting.

Labcorp Genetics (formerly Invitae), Labcorp
Classification: Likely benign for Hereditary thrombocytopenia and hematological cancer predisposition syndrome associated with RUNX1. Last evaluated: 2024-09-16. Review status: criteria provided, single submitter. Criteria: Invitae Variant Classification Sherloc (09022015). Collection method: clinical testing. Allele origin: germline. Not counted in ClinVar's aggregate classification.